The following is an entry in ClinVar:

ClinVar aggregate classification (germline): Uncertain significance. Review status: criteria provided, multiple submitters, no conflicts (2 of 4 stars). 2 submissions from 2 submitters: Uncertain significance (2). Last evaluated 2024-03-01.

Conditions:
Inborn genetic diseases. Identifiers: MedGen C0950123, MeSH D030342.

Allele frequency attached by ClinVar (database versions not stated): ExAC 0.00003.
gnomAD v4.1: 22 of 1,614,166 alleles (0.0014%); highest among the groups gnomAD compares: Middle Eastern, 0.033%; 1 homozygote.

Submissions (2):

GeneDx
Classification: Uncertain significance. Last evaluated: 2024-03-01. Review status: criteria provided, single submitter. Criteria: GeneDx Variant Classification Process June 2021. Collection method: clinical testing. Allele origin: germline. Affected: yes.
Comment: In silico analysis supports that this missense variant has a deleterious effect on protein structure/function; Has not been previously published as pathogenic or benign to our knowledge

Ambry Genetics
Classification: Uncertain significance for Inborn genetic diseases. Last evaluated: 2021-07-28. Review status: criteria provided, single submitter. Criteria: Ambry Variant Classification Scheme 2023. Collection method: clinical testing. Allele origin: germline.

NM_017875.4(SLC25A38):c.566C>T (p.Ala189Val)

Gene: SLC25A38 (solute carrier family 25 member 38; plus strand). Cytogenetic location: 3p22.1.
Variant type: single nucleotide variant.
Coding change: c.566C>T on transcript NM_017875.4 (MANE Select); coding-DNA position 566, C replaced by T.
Protein change: p.Ala189Val; replaces alanine 189 with valine.
Molecular consequence: missense variant.
Genome position (GRCh38, 1-based): chr3:39,391,962, C>T. VCF-style: chr3-39391962-C-T. GRCh37 (hg19) VCF-style: chr3-39433453-C-T.
Other names: c.566C>T, p.Ala189Val (NM_001354798.2); short protein forms A189V.
Identifiers: ClinVar variation 2386868 (VCV002386868.3), dbSNP rs769049098, ClinGen allele CA2327496.
Genomic context (GRCh38, chr3:39,391,962, plus strand): 5'-ATCACAGTGAGGGGCACCGGGGCCTCTTCAGTGGCCTGACAGCAACTCTCCTTCGAGATG[C>T]GCCCTTCTCAGGAATCTACCTGATGTTTTACAACCAGACCAAAAATATAGTGCCTCATGG-3'
Protein context (NP_060345.2, residues 179-199): SGLTATLLRD[Ala189Val]PFSGIYLMFY